The following is an entry in ClinVar:

NM_001931.5(DLAT):c.953T>C (p.Val318Ala)

Gene: DLAT (dihydrolipoamide S-acetyltransferase; plus strand). Cytogenetic location: 11q23.1.
Variant type: single nucleotide variant.
Coding change: c.953T>C on transcript NM_001931.5 (MANE Select); coding-DNA position 953, T replaced by C.
Protein change: p.Val318Ala; replaces valine 318 with alanine.
Molecular consequence: missense variant. On other transcripts: intron variant (2).
Genome position (GRCh38, 1-based): chr11:112,037,438, T>C. VCF-style: chr11-112037438-T-C. GRCh37 (hg19) VCF-style: chr11-111908162-T-C.
Other names: c.953T>C, p.Val318Ala (NM_001372031.1, NM_001372032.1, NM_001372033.1 and 1 more transcripts); c.920T>C, p.Val307Ala (NM_001372034.1); c.827T>C, p.Val276Ala (NM_001372036.1); c.785T>C, p.Val262Ala (NM_001372037.1); c.674T>C, p.Val225Ala (NM_001372038.1); c.572T>C, p.Val191Ala (NM_001372040.1); c.491T>C, p.Val164Ala (NM_001372042.1); c.661-1806T>C (NM_001372039.1, NM_001372041.1); short protein forms V318A, V191A, V225A, V276A, V164A, V262A, V307A.
Identifiers: ClinVar variation 128899 (VCV000128899.25), dbSNP rs627441, ClinGen allele CA152578.

ClinVar aggregate classification (germline): Benign. Review status: criteria provided, multiple submitters, no conflicts (2 of 4 stars). 7 submissions from 7 submitters: Benign (5). 2 of the submissions do not count toward it. Last evaluated 2026-02-03.

Conditions:
Pyruvate dehydrogenase E2 deficiency (PDHDD). Also called: LACTIC ACIDEMIA DUE TO DEFECT OF E2 LIPOYL TRANSACETYLASE OF THE PYRUVATE DEHYDROGENASE COMPLEX; Dihydrolipoamide Acetyltransferase (E2) Deficiency. Identifiers: Orphanet 765, Orphanet 79244, MedGen C1855565, MONDO:0009502, OMIM 245348.

Allele frequency attached by ClinVar (database versions not stated): gnomAD exomes 0.39464; ESP Exome Variant Server 0.49877; gnomAD 0.51169; TOPMed 0.51798; 1000 Genomes Project 0.54193; 1000 Genomes Project 30x 0.54325.

Submissions (7):

Labcorp Genetics (formerly Invitae), Labcorp
Classification: Benign for Pyruvate dehydrogenase E2 deficiency. Last evaluated: 2026-02-03. Review status: criteria provided, single submitter. Criteria: Invitae Variant Classification Sherloc (09022015). Collection method: clinical testing. Allele origin: germline.

Blueprint Genetics
Classification: Benign. Last evaluated: 2024-11-27. Review status: criteria provided, single submitter. Criteria: ACMG Guidelines, 2015. Collection method: clinical testing. Allele origin: germline.

Genome-Nilou Lab
Classification: Benign for Pyruvate dehydrogenase E2 deficiency. Last evaluated: 2021-07-30. Review status: criteria provided, single submitter. Criteria: ACMG Guidelines, 2015. Collection method: clinical testing. Allele origin: germline. Affected: no.

GeneDx
Classification: Benign. Last evaluated: 2015-03-03. Review status: criteria provided, single submitter. Criteria: GeneDx Variant Classification Process June 2021. Collection method: clinical testing. Allele origin: germline. Affected: yes.

Breakthrough Genomics
Classification: Benign. Review status: criteria provided, single submitter. Criteria: ACMG Guidelines, 2015. Collection method: not provided. Allele origin: germline. Inheritance: Autosomal recessive inheritance. Affected: yes.

Mayo Clinic Laboratories, Mayo Clinic
Classification: Benign. Last evaluated: 2016-02-15. Review status: no assertion criteria provided. Collection method: clinical testing. Allele origin: unknown. Not counted in ClinVar's aggregate classification.

Genetic Services Laboratory, University of Chicago
Classification: Likely benign for AllHighlyPenetrant. Review status: no assertion criteria provided. Collection method: clinical testing. Allele origin: germline. Inheritance: Autosomal recessive inheritance. Not counted in ClinVar's aggregate classification.
Comment: Likely benign based on allele frequency in 1000 Genomes Project or ESP global frequency and its presence in a patient with a rare or unrelated disease phenotype. NOT Sanger confirmed.